The following is an entry in ClinVar:

ClinVar aggregate classification (germline): Uncertain significance (1 of 4 stars; one submission).

Conditions:
Neuroblastoma, susceptibility to, 3. Also called: ALK-Related Neuroblastic Tumor Susceptibility. Identifiers: Orphanet 635, MedGen C2751681, MONDO:0013083, OMIM 613014.

Submission:

Labcorp Genetics (formerly Invitae), Labcorp
Classification: Uncertain significance for Neuroblastoma, susceptibility to, 3. Last evaluated: 2021-05-21. Review status: criteria provided, single submitter. Criteria: Invitae Variant Classification Sherloc (09022015). Collection method: clinical testing. Allele origin: germline.
Comment: This variant is not present in population databases (ExAC no frequency). In summary, the available evidence is currently insufficient to determine the role of this variant in disease. Therefore, it has been classified as a Variant of Uncertain Significance. Algorithms developed to predict the effect of missense changes on protein structure and function are either unavailable or do not agree on the potential impact of this missense change (SIFT: "Deleterious"; PolyPhen-2: "Possibly Damaging"; Align-GVGD: "Class C0"). This variant has not been reported in the literature in individuals with ALK-related conditions. This sequence change replaces threonine with arginine at codon 387 of the ALK protein (p.Thr387Arg). The threonine residue is highly conserved and there is a moderate physicochemical difference between threonine and arginine.

NM_004304.5(ALK):c.1160C>G (p.Thr387Arg)

Gene: ALK (ALK receptor tyrosine kinase; minus strand). Cytogenetic location: 2p23.2.
Variant type: single nucleotide variant.
Coding change: c.1160C>G on transcript NM_004304.5 (MANE Select); coding-DNA position 1160, C replaced by G.
Protein change: p.Thr387Arg; replaces threonine 387 with arginine.
Molecular consequence: missense variant.
Genome position (GRCh38, 1-based): chr2:29,383,854, G>C on the plus strand (C>G on the coding strand, the complement: ALK is on the minus strand). VCF-style: chr2-29383854-G-C. GRCh37 (hg19) VCF-style: chr2-29606720-G-C.
Other names: short protein forms T387R.
Identifiers: ClinVar variation 1507849 (VCV001507849.8), dbSNP rs2148301787, ClinGen allele CA346585524.